The following is an entry in ClinVar:

NM_201599.3(ZMYM3):c.1061C>T (p.Thr354Ile)

Gene: ZMYM3 (zinc finger MYM-type containing 3; minus strand). Cytogenetic location: Xq13.1.
Variant type: single nucleotide variant.
Coding change: c.1061C>T on transcript NM_201599.3 (MANE Select); coding-DNA position 1061, C replaced by T.
Protein change: p.Thr354Ile; replaces threonine 354 with isoleucine.
Molecular consequence: missense variant.
Genome position (GRCh38, 1-based): chrX:71,250,444, G>A on the plus strand (C>T on the coding strand, the complement: ZMYM3 is on the minus strand). VCF-style: chrX-71250444-G-A. GRCh37 (hg19) VCF-style: chrX-70470294-G-A.
Other names: c.1061C>T, p.Thr354Ile (NM_001171162.1, NM_001171163.1, NM_005096.3); short protein forms T354I.
Identifiers: ClinVar variation 727812 (VCV000727812.9), dbSNP rs185559378, ClinGen allele CA10445857.

ClinVar aggregate classification (germline): Benign/Likely benign. Review status: criteria provided, multiple submitters, no conflicts (2 of 4 stars). 3 submissions from 3 submitters: Benign (2); Likely benign (1). Last evaluated 2026-07-01.

Allele frequency attached by ClinVar (database versions not stated): gnomAD 0.00025 and 0.00026; 1000 Genomes Project 30x 0.00042; 1000 Genomes Project 0.00053; TOPMed 0.00084; gnomAD exomes 0.00089 and 0.00190; ExAC 0.00180.
gnomAD v4.1: 415 of 1,207,673 alleles (0.034%); highest among the groups gnomAD compares: Admixed American, 0.9%; 3 homozygotes.

Submissions (3):

CeGaT Center for Human Genetics Tuebingen
Classification: Likely benign. Last evaluated: 2026-07-01. Review status: criteria provided, single submitter. Criteria: CeGaT Center For Human Genetics Tuebingen Variant Classification Criteria Version 2. Collection method: clinical testing. Allele origin: germline. Affected: yes. Observed: 5 variant alleles.
Comment: ZMYM3: PP2, BS2

Labcorp Genetics (formerly Invitae), Labcorp
Classification: Benign. Last evaluated: 2019-12-31. Review status: criteria provided, single submitter. Criteria: Invitae Variant Classification Sherloc (09022015). Collection method: clinical testing. Allele origin: germline.

Breakthrough Genomics
Classification: Benign. Review status: criteria provided, single submitter. Criteria: ACMG Guidelines, 2015. Collection method: not provided. Allele origin: germline. Inheritance: Unknown mechanism. Affected: yes.